The following is an entry in ClinVar:

ClinVar aggregate classification (germline): Uncertain significance. Review status: criteria provided, multiple submitters, no conflicts (2 of 4 stars). 2 submissions from 2 submitters: Uncertain significance (2). Last evaluated 2023-08-18.

Conditions:
Multiple endocrine neoplasia, type 2 (MEN2). Identifiers: Orphanet 653, MedGen C4048306, MONDO:0019003. Disease mechanism: gain of function.
Hirschsprung disease, susceptibility to, 1 (HSCR1). Also called: RET-Related Hirschsprung Disease. Identifiers: Orphanet 388, MedGen C3888239, MONDO:0007723, OMIM 142623.

Submissions (2):

Baylor Genetics
Classification: Uncertain significance for Hirschsprung disease, susceptibility to, 1. Last evaluated: 2023-08-18. Review status: criteria provided, single submitter. Criteria: ACMG Guidelines, 2015. Collection method: clinical testing. Allele origin: unknown.

Labcorp Genetics (formerly Invitae), Labcorp
Classification: Uncertain significance for Multiple endocrine neoplasia, type 2. Last evaluated: 2023-01-18. Review status: criteria provided, single submitter. Criteria: Invitae Variant Classification Sherloc (09022015). Collection method: clinical testing. Allele origin: germline.
Comment: In summary, the available evidence is currently insufficient to determine the role of this variant in disease. Therefore, it has been classified as a Variant of Uncertain Significance. Algorithms developed to predict the effect of missense changes on protein structure and function are either unavailable or do not agree on the potential impact of this missense change (SIFT: "Tolerated"; PolyPhen-2: "Probably Damaging"; Align-GVGD: "Class C0"). This variant has not been reported in the literature in individuals affected with RET-related conditions. This variant is not present in population databases (gnomAD no frequency). This sequence change replaces glycine, which is neutral and non-polar, with serine, which is neutral and polar, at codon 435 of the RET protein (p.Gly435Ser).

NM_020975.6(RET):c.1303G>A (p.Gly435Ser)

Gene: RET (ret proto-oncogene; plus strand). Cytogenetic location: 10q11.21.
Variant type: single nucleotide variant.
Coding change: c.1303G>A on transcript NM_020975.6 (MANE Select); coding-DNA position 1303, G replaced by A.
Protein change: p.Gly435Ser; replaces glycine 435 with serine.
Molecular consequence: missense variant. On other transcripts: intron variant (15).
Genome position (GRCh38, 1-based): chr10:43,111,246, G>A. VCF-style: chr10-43111246-G-A. GRCh37 (hg19) VCF-style: chr10-43606694-G-A.
Other names: c.338-853G>A (NM_001406790.1, NM_001406788.1, NM_001406789.1 and 1 more transcripts); c.74-853G>A (NM_001406794.1, NM_001406792.1, NM_001406793.1); c.626-853G>A (NM_001406785.1, NM_001406782.1, NM_001406780.1 and 3 more transcripts); c.497-853G>A (NM_001406786.1, NM_001406783.1); c.1015G>A, p.Gly339Ser (NM_001406770.1, NM_001406766.1, NM_001406767.1); c.865G>A, p.Gly289Ser (NM_001406771.1, NM_001406773.1); c.907G>A, p.Gly303Ser (NM_001406772.1, NM_001406769.1); c.778G>A, p.Gly260Ser (NM_001406774.1); and 5 more; short protein forms G105S, G181S, G193S, G260S, G289S, G303S, G339S, G392S.
Identifiers: ClinVar variation 2678319 (VCV002678319.4), dbSNP rs2132766874, ClinGen allele CA376548954.